The following is an entry in ClinVar:

NM_005477.3(HCN4):c.1858G>A (p.Asp620Asn)

Gene: HCN4 (hyperpolarization activated cyclic nucleotide gated potassium channel 4; minus strand). Cytogenetic location: 15q24.1.
Variant type: single nucleotide variant.
Coding change: c.1858G>A on transcript NM_005477.3 (MANE Select); coding-DNA position 1858, G replaced by A.
Protein change: p.Asp620Asn; replaces aspartic acid 620 with asparagine.
Molecular consequence: missense variant.
Genome position (GRCh38, 1-based): chr15:73,325,075, C>T on the plus strand (G>A on the coding strand, the complement: HCN4 is on the minus strand). VCF-style: chr15-73325075-C-T. GRCh37 (hg19) VCF-style: chr15-73617416-C-T.
Other names: short protein forms D620N.
Identifiers: ClinVar variation 1396890 (VCV001396890.6), dbSNP rs2151215460, ClinGen allele CA393090728.
Genomic context (GRCh38, chr15:73,325,075, plus strand): 5'-CCACGCCATGCTGGATGAAGTACATCTTCTTGCCAATGGTGCCTTCCCGGATGATGTAGT[C>T]CCCAGGCTGGAAGACCTCGAAACGCAGCTTGGTCAGCATGGACGTCACGAAGTTGGGGTC-3'
Protein context (NP_005468.1, residues 610-630): KLRFEVFQPG[Asp620Asn]YIIREGTIGK

ClinVar aggregate classification (germline): Uncertain significance (1 of 4 stars; one submission).

Conditions:
Brugada syndrome 8 (BRGDA8). Identifiers: Orphanet 130, MedGen C2751083, MONDO:0013148, OMIM 613123.

gnomAD v4.1: 1 of 1,614,212 alleles (0.000062%); highest among the groups gnomAD compares: African/African-American, 0.0013%; no homozygotes.

Submission:

Labcorp Genetics (formerly Invitae), Labcorp
Classification: Uncertain significance for Brugada syndrome 8. Last evaluated: 2025-04-30. Review status: criteria provided, single submitter. Criteria: Invitae Variant Classification Sherloc (09022015). Collection method: clinical testing. Allele origin: germline.
Comment: This sequence change replaces aspartic acid, which is acidic and polar, with asparagine, which is neutral and polar, at codon 620 of the HCN4 protein (p.Asp620Asn). This variant is not present in population databases (gnomAD no frequency). This variant has not been reported in the literature in individuals affected with HCN4-related conditions. ClinVar contains an entry for this variant (Variation ID: 1396890). Invitae Evidence Modeling of protein sequence and biophysical properties (such as structural, functional, and spatial information, amino acid conservation, physicochemical variation, residue mobility, and thermodynamic stability) has been performed for this missense variant. However, the output from this modeling did not meet the statistical confidence thresholds required to predict the impact of this variant on HCN4 protein function. In summary, the available evidence is currently insufficient to determine the role of this variant in disease. Therefore, it has been classified as a Variant of Uncertain Significance.